The following is an entry in ClinVar:

NM_001374353.1(GLI2):c.803C>T (p.Ala268Val)

Gene: GLI2 (GLI family zinc finger 2; plus strand). Cytogenetic location: 2q14.2.
Variant type: single nucleotide variant.
Coding change: c.803C>T on transcript NM_001374353.1 (MANE Select); coding-DNA position 803, C replaced by T.
Protein change: p.Ala268Val; replaces alanine 268 with valine.
Molecular consequence: missense variant.
Genome position (GRCh38, 1-based): chr2:120,968,873, C>T. VCF-style: chr2-120968873-C-T. GRCh37 (hg19) VCF-style: chr2-121726449-C-T.
Other names: c.803C>T, p.Ala268Val (NM_001371271.1, NM_005270.5); c.428C>T, p.Ala143Val (NM_001374354.1); short protein forms A268V, A143V.
Identifiers: ClinVar variation 259737 (VCV000259737.18), dbSNP rs146992756, ClinGen allele CA1851663.

ClinVar aggregate classification (germline): Benign/Likely benign. Review status: criteria provided, multiple submitters, no conflicts (2 of 4 stars). 8 submissions from 8 submitters: Benign (3); Likely benign (5). Last evaluated 2026-09-01.

Conditions:
Holoprosencephaly 9 (HPE9). Also called: PITUITARY ANOMALIES WITH HOLOPROSENCEPHALY-LIKE FEATURES; HOLOPROSENCEPHALY WITH MICROPHTHALMIA AND FIRST BRANCHIAL ARCH ANOMALIES. Identifiers: Orphanet 2162, MedGen C1835819, MONDO:0012563, OMIM 610829.
Postaxial polydactyly-anterior pituitary anomalies-facial dysmorphism syndrome. Also called: Culler-Jones syndrome. Identifiers: Orphanet 420584, MedGen C4014479, MONDO:0014369, OMIM 615849.

Allele frequency attached by ClinVar (database versions not stated): gnomAD exomes 0.00025 and 0.00063; ExAC 0.00071; ESP Exome Variant Server 0.00223; gnomAD 0.00236 and 0.00254; TOPMed 0.00275; 1000 Genomes Project 30x 0.00344; 1000 Genomes Project 0.00359.
gnomAD v4.1: 747 of 1,613,386 alleles (0.046%); highest among the groups gnomAD compares: African/African-American, 0.84%; 2 homozygotes.

Submissions (8):

CeGaT Center for Human Genetics Tuebingen
Classification: Likely benign. Last evaluated: 2026-09-01. Review status: criteria provided, single submitter. Criteria: CeGaT Center For Human Genetics Tuebingen Variant Classification Criteria Version 2. Collection method: clinical testing. Allele origin: germline. Affected: yes. Observed: 1 variant allele.
Comment: GLI2: BS1

Women's Health and Genetics/Laboratory Corporation of America, LabCorp
Classification: Likely benign. Last evaluated: 2026-06-03. Review status: criteria provided, single submitter. Criteria: LabCorp Variant Classification Summary - May 2015. Collection method: clinical testing. Allele origin: germline.
Comment: Variant summary: GLI2 c.803C>T (p.Ala268Val) results in a non-conservative amino acid change in the encoded protein sequence. Algorithms developed to predict the effect of missense changes on protein structure and function are either unavailable or do not agree on the potential impact of this missense change. The variant allele was found at a frequency of 0.00063 in 250824 control chromosomes, predominantly at a frequency of 0.0078 within the African or African-American subpopulation in the gnomAD database. The observed variant frequency within African or African-American control individuals in the gnomAD database exceeds the estimated maximal expected allele frequency for disease-causing variants in GLI2. To our knowledge, no occurrence of c.803C>T in individuals affected with GLI2-related conditions and no experimental evidence demonstrating its impact on protein function have been reported. ClinVar contains an entry for this variant (Variation ID: 259737). Based on the evidence outlined above, the variant was classified as likely benign.

Labcorp Genetics (formerly Invitae), Labcorp
Classification: Benign for Postaxial polydactyly-anterior pituitary anomalies-facial dysmorphism syndrome; Holoprosencephaly 9. Last evaluated: 2025-09-17. Review status: criteria provided, single submitter. Criteria: Invitae Variant Classification Sherloc (09022015). Collection method: clinical testing. Allele origin: germline.

Blueprint Genetics
Classification: Likely benign. Last evaluated: 2024-09-16. Review status: criteria provided, single submitter. Criteria: ACMG Guidelines, 2015. Collection method: clinical testing. Allele origin: germline.

GeneDx
Classification: Benign. Last evaluated: 2020-06-01. Review status: criteria provided, single submitter. Criteria: GeneDx Variant Classification Process June 2021. Collection method: clinical testing. Allele origin: germline. Affected: yes.
Comment: This variant is associated with the following publications: (PMID: 21204792, 22967285)

Center for Pediatric Genomic Medicine, Children's Mercy Hospital and Clinics
Classification: Likely benign. Last evaluated: 2017-06-12. Review status: criteria provided, single submitter. Criteria: ACMG Guidelines, 2015. Collection method: clinical testing. Allele origin: germline.

Breakthrough Genomics
Classification: Likely benign. Review status: criteria provided, single submitter. Criteria: ACMG Guidelines, 2015. Collection method: not provided. Allele origin: germline. Inheritance: Autosomal dominant inheritance. Affected: yes.

PreventionGenetics, part of Exact Sciences
Classification: Benign. Review status: criteria provided, single submitter. Criteria: ACMG Guidelines, 2015. Collection method: clinical testing. Allele origin: germline.